The following is an entry in ClinVar:

ClinVar aggregate classification (germline): Uncertain significance (1 of 4 stars; one submission).

Conditions:
Arginine:glycine amidinotransferase deficiency (CCDS3). Also called: Creatine deficiency syndrome due to AGAT deficiency; GATM deficiency; Cerebral creatine deficiency syndrome 3; AGAT deficiency; L-Arginine:Glycine Amidinotransferase Deficiency; L-Arginine:Glycine Amidinotransferase (AGAT) Deficiency. Identifiers: Orphanet 35704, MedGen C2675179, MONDO:0012996, OMIM 612718.

Allele frequency attached by ClinVar (database versions not stated): gnomAD exomes 0.00001; ExAC 0.00002.

Submission:

Labcorp Genetics (formerly Invitae), Labcorp
Classification: Uncertain significance for Arginine:glycine amidinotransferase deficiency. Last evaluated: 2022-02-23. Review status: criteria provided, single submitter. Criteria: Invitae Variant Classification Sherloc (09022015). Collection method: clinical testing. Allele origin: germline.
Comment: This sequence change replaces alanine, which is neutral and non-polar, with valine, which is neutral and non-polar, at codon 213 of the GATM protein (p.Ala213Val). This variant is present in population databases (rs778893952, gnomAD 0.003%). This variant has not been reported in the literature in individuals affected with GATM-related conditions. Algorithms developed to predict the effect of missense changes on protein structure and function are either unavailable or do not agree on the potential impact of this missense change (SIFT: "Deleterious"; PolyPhen-2: "Possibly Damaging"; Align-GVGD: "Class C0"). In summary, the available evidence is currently insufficient to determine the role of this variant in disease. Therefore, it has been classified as a Variant of Uncertain Significance.

NM_001482.3(GATM):c.638C>T (p.Ala213Val)

Gene: GATM (glycine amidinotransferase; minus strand). Cytogenetic location: 15q21.1.
Variant type: single nucleotide variant.
Coding change: c.638C>T on transcript NM_001482.3 (MANE Select); coding-DNA position 638, C replaced by T.
Protein change: p.Ala213Val; replaces alanine 213 with valine.
Molecular consequence: missense variant.
Genome position (GRCh38, 1-based): chr15:45,368,107, G>A on the plus strand (C>T on the coding strand, the complement: GATM is on the minus strand). VCF-style: chr15-45368107-G-A. GRCh37 (hg19) VCF-style: chr15-45660305-G-A.
Other names: c.251C>T, p.Ala84Val (NM_001321015.2); short protein forms A84V, A213V.
Identifiers: ClinVar variation 1509129 (VCV001509129.3), dbSNP rs778893952, ClinGen allele CA7542885.